The following is an entry in ClinVar:

NM_001145026.2(PTPRQ):c.1187-24TTTC[8]

Gene: PTPRQ (protein tyrosine phosphatase receptor type Q; plus strand). Cytogenetic location: 12q21.31.
Variant type: Microsatellite.
Coding change: c.1187-24TTTC[8] on transcript NM_001145026.2 (MANE Select); eight copies in a row of the 4-base unit TTTC starting at c.1187-24.
Molecular consequence: intron variant.
Genome position: GRCh38 VCF-style: chr12-80484408-T-TTTTCTTTCTTTC. GRCh37 (hg19) VCF-style: chr12-80878187-T-TTTTCTTTCTTTC.
Identifiers: ClinVar variation 3351016 (VCV003351016.1).

ClinVar aggregate classification (germline): Likely benign (0 of 4 stars; one submission).

Conditions:
PTPRQ-related disorder. Also called: PTPRQ-related condition.

Submission:

PreventionGenetics, part of Exact Sciences
Classification: Likely benign for PTPRQ-related condition. Last evaluated: 2024-05-18. Review status: no assertion criteria provided. Collection method: clinical testing. Allele origin: germline.
Comment: This variant is classified as likely benign based on ACMG/AMP sequence variant interpretation guidelines (Richards et al. 2015 PMID: 25741868, with internal and published modifications).